The following is an entry in ClinVar:

NM_004168.4(SDHA):c.753C>G (p.Asn251Lys)

Gene: SDHA (succinate dehydrogenase complex flavoprotein subunit A; plus strand). Cytogenetic location: 5p15.33.
Variant type: single nucleotide variant.
Coding change: c.753C>G on transcript NM_004168.4 (MANE Select); coding-DNA position 753, C replaced by G.
Protein change: p.Asn251Lys; replaces asparagine 251 with lysine.
Molecular consequence: missense variant.
Genome position (GRCh38, 1-based): chr5:228,316, C>G. VCF-style: chr5-228316-C-G. GRCh37 (hg19) VCF-style: chr5-228431-C-G.
Other names: c.609C>G, p.Asn203Lys (NM_001294332.2); c.753C>G, p.Asn251Lys (NM_001330758.2); short protein forms N251K, N203K.
Identifiers: ClinVar variation 472402 (VCV000472402.13), dbSNP rs1126411, ClinGen allele CA359011200.

ClinVar aggregate classification (germline): Uncertain significance. Review status: criteria provided, multiple submitters, no conflicts (2 of 4 stars). 2 submissions from 2 submitters: Uncertain significance (2). Last evaluated 2025-12-09.

Conditions:
Mitochondrial complex II deficiency, nuclear type 1. Also called: SUCCINATE CoQ REDUCTASE DEFICIENCY. Identifiers: Orphanet 3208, MedGen C5700310, MONDO:0100294, OMIM 252011.
Pheochromocytoma/paraganglioma syndrome 5. Also called: Paragangliomas 5; SDHA-Related Hereditary Paraganglioma-Pheochromocytoma Syndrome. Identifiers: Orphanet 29072, MedGen C3279992, MONDO:0013602, OMIM 614165.
Hereditary cancer-predisposing syndrome. Also called: Neoplastic Syndromes, Hereditary; Hereditary Cancer Syndrome; Hereditary neoplastic syndrome; Tumor predisposition. Identifiers: Orphanet 140162, MedGen C0027672, MeSH D009386, MONDO:0015356.

Allele frequency attached by ClinVar (database versions not stated): TOPMed below 0.00001; gnomAD 0.00001.
gnomAD v4.1: 1 of 1,613,836 alleles (0.000062%); highest among the groups gnomAD compares: Non-Finnish European, 0.000085%; no homozygotes.

Submissions (2):

Labcorp Genetics (formerly Invitae), Labcorp
Classification: Uncertain significance for Pheochromocytoma/paraganglioma syndrome 5; Mitochondrial complex II deficiency, nuclear type 1. Last evaluated: 2025-12-09. Review status: criteria provided, single submitter. Criteria: Invitae Variant Classification Sherloc (09022015). Collection method: clinical testing. Allele origin: germline.
Comment: This sequence change replaces asparagine, which is neutral and polar, with lysine, which is basic and polar, at codon 251 of the SDHA protein (p.Asn251Lys). This variant is not present in population databases (gnomAD no frequency). This variant has not been reported in the literature in individuals affected with SDHA-related conditions. ClinVar contains an entry for this variant (Variation ID: 472402). Invitae Evidence Modeling of protein sequence and biophysical properties (such as structural, functional, and spatial information, amino acid conservation, physicochemical variation, residue mobility, and thermodynamic stability) indicates that this missense variant is not expected to disrupt SDHA protein function with a negative predictive value of 95%. In summary, the available evidence is currently insufficient to determine the role of this variant in disease. Therefore, it has been classified as a Variant of Uncertain Significance.

Ambry Genetics
Classification: Uncertain significance for Hereditary cancer-predisposing syndrome. Last evaluated: 2023-09-22. Review status: criteria provided, single submitter. Criteria: Ambry Variant Classification Scheme 2023. Collection method: clinical testing. Allele origin: germline.
Comment: The p.N251K variant (also known as c.753C>G), located in coding exon 6 of the SDHA gene, results from a C to G substitution at nucleotide position 753. The asparagine at codon 251 is replaced by lysine, an amino acid with similar properties. This amino acid position is highly conserved in available vertebrate species. In addition, this alteration is predicted to be tolerated by in silico analysis. Since supporting evidence is limited at this time, the clinical significance of this alteration remains unclear.